The following is an entry in ClinVar:

ClinVar aggregate classification (germline): Uncertain significance (1 of 4 stars; one submission).

Submission:

GeneDx
Classification: Uncertain significance. Last evaluated: 2024-07-30. Review status: criteria provided, single submitter. Criteria: GeneDx Variant Classification Process June 2021. Collection method: clinical testing. Allele origin: germline. Affected: yes.
Comment: Not observed at significant frequency in large population cohorts (gnomAD); In silico analysis indicates that this missense variant does not alter protein structure/function; Has not been previously published as pathogenic or benign to our knowledge

NM_022356.4(P3H1):c.58T>G (p.Ser20Ala)

Gene: P3H1 (prolyl 3-hydroxylase 1; minus strand). Cytogenetic location: 1p34.2.
Variant type: single nucleotide variant.
Coding change: c.58T>G on transcript NM_022356.4 (MANE Select); coding-DNA position 58, T replaced by G.
Protein change: p.Ser20Ala; replaces serine 20 with alanine.
Molecular consequence: missense variant.
Genome position (GRCh38, 1-based): chr1:42,766,914, A>C on the plus strand (T>G on the coding strand, the complement: P3H1 is on the minus strand). VCF-style: chr1-42766914-A-C. GRCh37 (hg19) VCF-style: chr1-43232585-A-C.
Other names: c.58T>G, p.Ser20Ala (NM_001146289.2, NM_001243246.2); short protein forms S20A.
Identifiers: ClinVar variation 3602479 (VCV003602479.1).